The following is an entry in ClinVar:

NM_000152.5(GAA):c.1426C>A (p.Leu476Met)

Gene: GAA (alpha glucosidase; plus strand). Cytogenetic location: 17q25.3.
Variant type: single nucleotide variant.
Coding change: c.1426C>A on transcript NM_000152.5 (MANE Select); coding-DNA position 1426, C replaced by A.
Protein change: p.Leu476Met; replaces leucine 476 with methionine.
Molecular consequence: missense variant.
Genome position (GRCh38, 1-based): chr17:80,110,044, C>A. VCF-style: chr17-80110044-C-A. GRCh37 (hg19) VCF-style: chr17-78083843-C-A.
Other names: c.1426C>A (LRG_673t1); c.1426C>A, p.Leu476Met (NM_001079803.3, NM_001079804.3); short protein forms L476M.
Identifiers: ClinVar variation 654467 (VCV000654467.7), dbSNP rs756613882, ClinGen allele CA401366627.

ClinVar aggregate classification (germline): Uncertain significance. Review status: criteria provided, multiple submitters, no conflicts (2 of 4 stars). 2 submissions from 2 submitters: Uncertain significance (2). Last evaluated 2026-07-01.

Conditions:
Glycogen storage disease, type II (IOPD). Also called: Pompe Disease; CARDIOMEGALIA GLYCOGENICA DIFFUSA; GLYCOGENOSIS, GENERALIZED, CARDIAC FORM; GSD II; POMPE DISEASE, INFANTILE-ONSET; GLYCOGEN STORAGE DISEASE II, INFANTILE-ONSET. Identifiers: Orphanet 365, MedGen C0017921, MONDO:0009290, OMIM 232300.

Submissions (2):

Genomenon, Inc
Classification: Uncertain significance for Glycogen storage disease, type II. Last evaluated: 2026-07-01. Review status: criteria provided, single submitter. Criteria: Genomenon Sequence Variant Interpretation Standards - Updated. Collection method: curation. Allele origin: germline. Affected: no.
Comment: GAA p.Leu476Met (c.1426C>A) is a missense variant that changes the amino acid at codon 476 from Leucine to Methionine. This variant has been reported in the published literature (PMID:22676651). It is absent or not present at a significant frequency in gnomAD. In silico models predict that this variant is not damaging. In conclusion, we classify GAA p.Leu476Met (c.1426C>A) as a variant of uncertain significance.

Labcorp Genetics (formerly Invitae), Labcorp
Classification: Uncertain significance for Glycogen storage disease, type II. Last evaluated: 2022-10-05. Review status: criteria provided, single submitter. Criteria: Invitae Variant Classification Sherloc (09022015). Collection method: clinical testing. Allele origin: germline.
Comment: In summary, the available evidence is currently insufficient to determine the role of this variant in disease. Therefore, it has been classified as a Variant of Uncertain Significance. Advanced modeling of protein sequence and biophysical properties (such as structural, functional, and spatial information, amino acid conservation, physicochemical variation, residue mobility, and thermodynamic stability) has been performed at Invitae for this missense variant, however the output from this modeling did not meet the statistical confidence thresholds required to predict the impact of this variant on GAA protein function. ClinVar contains an entry for this variant (Variation ID: 654467). This missense change has been observed in individual(s) with Pompe disease (PMID: 22676651). This variant is not present in population databases (gnomAD no frequency). This sequence change replaces leucine, which is neutral and non-polar, with methionine, which is neutral and non-polar, at codon 476 of the GAA protein (p.Leu476Met).

Literature cited by the submitters: PubMed 22676651 (cited by Genomenon, Inc and Labcorp Genetics (formerly Invitae), Labcorp).